The following is an entry in ClinVar:

ClinVar aggregate classification (germline): Uncertain significance. Review status: criteria provided, multiple submitters, no conflicts (2 of 4 stars). 2 submissions from 2 submitters: Uncertain significance (2). Last evaluated 2026-04-08.

Conditions:
Bardet-Biedl syndrome 3 (BBS3). Identifiers: Orphanet 110, MedGen C1859564, MONDO:0010832, OMIM 600151.
Retinitis pigmentosa 55 (RP55). Identifiers: Orphanet 791, MedGen C3150808, MONDO:0013312, OMIM 613575.
ARL6-related disorder. Also called: ARL6-related condition.

Allele frequency attached by ClinVar (database versions not stated): TOPMed 0.00001.
gnomAD v4.1: 27 of 1,612,872 alleles (0.0017%); highest among the groups gnomAD compares: Non-Finnish European, 0.0023%; no homozygotes.

Submissions (2):

PreventionGenetics, part of Exact Sciences
Classification: Uncertain significance for ARL6-related condition. Last evaluated: 2026-04-08. Review status: criteria provided, single submitter. Criteria: ACMG Guidelines, 2015. Collection method: clinical testing. Allele origin: germline.
Comment: The ARL6 c.17G>A variant is predicted to result in the amino acid substitution p.Arg6Lys. To our knowledge, this variant has not been reported in the literature. This variant is reported in 0.011% of alleles in individuals of African descent in gnomAD. At this time, the clinical significance of this variant is uncertain due to the absence of conclusive functional and genetic evidence.

Labcorp Genetics (formerly Invitae), Labcorp
Classification: Uncertain significance for Retinitis pigmentosa 55; Bardet-Biedl syndrome 3. Last evaluated: 2022-09-27. Review status: criteria provided, single submitter. Criteria: Invitae Variant Classification Sherloc (09022015). Collection method: clinical testing. Allele origin: germline.
Comment: ClinVar contains an entry for this variant (Variation ID: 1003434). This variant has not been reported in the literature in individuals affected with ARL6-related conditions. This variant is present in population databases (no rsID available, gnomAD 0.01%). This sequence change replaces arginine, which is basic and polar, with lysine, which is basic and polar, at codon 6 of the ARL6 protein (p.Arg6Lys). Algorithms developed to predict the effect of missense changes on protein structure and function output the following: SIFT: "Tolerated"; PolyPhen-2: "Benign"; Align-GVGD: "Class C0". The lysine amino acid residue is found in multiple mammalian species, which suggests that this missense change does not adversely affect protein function. In summary, the available evidence is currently insufficient to determine the role of this variant in disease. Therefore, it has been classified as a Variant of Uncertain Significance.

NM_001278293.3(ARL6):c.17G>A (p.Arg6Lys)

Gene: ARL6 (ARF like GTPase 6; plus strand). Cytogenetic location: 3q11.2.
Variant type: single nucleotide variant.
Coding change: c.17G>A on transcript NM_001278293.3 (MANE Select); coding-DNA position 17, G replaced by A.
Protein change: p.Arg6Lys; replaces arginine 6 with lysine.
Molecular consequence: missense variant. On other transcripts: non-coding transcript variant (7).
Genome position (GRCh38, 1-based): chr3:97,768,124, G>A. VCF-style: chr3-97768124-G-A. GRCh37 (hg19) VCF-style: chr3-97486968-G-A.
Other names: c.17G>A, p.Arg6Lys (NM_001323513.2, NM_001323514.2, NM_032146.5 and 1 more transcripts); short protein forms R6K.
Identifiers: ClinVar variation 1003434 (VCV001003434.6), dbSNP rs751957701, ClinGen allele CA353581957.